The following is an entry in ClinVar:

ClinVar aggregate classification (germline): Uncertain significance (1 of 4 stars; one submission).

Conditions:
Singleton-Merten syndrome 1 (SGMRT1). Also called: Widened medullary cavities of bone, aortic calcification, abnormal dentition, and muscular weakness; Syndrome of widened medullary cavities of the metacarpals and phalanges, aortic calcification and abnormal dentition. Identifiers: Orphanet 85191, MedGen C4225427, MONDO:0024535, OMIM 182250.
Aicardi-Goutieres syndrome 7 (AGS7). Identifiers: Orphanet 51, MedGen C3888244, MONDO:0014367, OMIM 615846.

Allele frequency attached by ClinVar (database versions not stated): gnomAD exomes below 0.00001.
gnomAD v4.1: 1 of 1,614,178 alleles (0.000062%); highest among the groups gnomAD compares: African/African-American, 0.0013%; no homozygotes.

Submission:

Labcorp Genetics (formerly Invitae), Labcorp
Classification: Uncertain significance for Aicardi-Goutieres syndrome 7; Singleton-Merten syndrome 1. Last evaluated: 2023-08-17. Review status: criteria provided, single submitter. Criteria: Invitae Variant Classification Sherloc (09022015). Collection method: clinical testing. Allele origin: germline.
Comment: In summary, the available evidence is currently insufficient to determine the role of this variant in disease. Therefore, it has been classified as a Variant of Uncertain Significance. Advanced modeling of protein sequence and biophysical properties (such as structural, functional, and spatial information, amino acid conservation, physicochemical variation, residue mobility, and thermodynamic stability) has been performed at Invitae for this missense variant, however the output from this modeling did not meet the statistical confidence thresholds required to predict the impact of this variant on IFIH1 protein function. ClinVar contains an entry for this variant (Variation ID: 1413717). This variant has not been reported in the literature in individuals affected with IFIH1-related conditions. This variant is present in population databases (no rsID available, gnomAD 0.007%). This sequence change replaces glutamine, which is neutral and polar, with proline, which is neutral and non-polar, at codon 27 of the IFIH1 protein (p.Gln27Pro).

NM_022168.4(IFIH1):c.80A>C (p.Gln27Pro)

Gene: IFIH1 (interferon induced with helicase C domain 1; minus strand). Cytogenetic location: 2q24.2.
Variant type: single nucleotide variant.
Coding change: c.80A>C on transcript NM_022168.4 (MANE Select); coding-DNA position 80, A replaced by C.
Protein change: p.Gln27Pro; replaces glutamine 27 with proline.
Molecular consequence: missense variant.
Genome position (GRCh38, 1-based): chr2:162,318,228, T>G on the plus strand (A>C on the coding strand, the complement: IFIH1 is on the minus strand). VCF-style: chr2-162318228-T-G. GRCh37 (hg19) VCF-style: chr2-163174738-T-G.
Other names: short protein forms Q27P.
Identifiers: ClinVar variation 1413717 (VCV001413717.6), dbSNP rs1261297304, ClinGen allele CA349014573.